The following is an entry in ClinVar:

NM_001042492.3(NF1):c.847G>T (p.Asp283Tyr)

Gene: NF1 (neurofibromin 1; plus strand). Cytogenetic location: 17q11.2.
Variant type: single nucleotide variant.
Coding change: c.847G>T on transcript NM_001042492.3 (MANE Select); coding-DNA position 847, G replaced by T.
Protein change: p.Asp283Tyr; replaces aspartic acid 283 with tyrosine.
Molecular consequence: missense variant.
Genome position (GRCh38, 1-based): chr17:31,182,624, G>T. VCF-style: chr17-31182624-G-T. GRCh37 (hg19) VCF-style: chr17-29509642-G-T.
Other names: c.847G>T, p.Asp283Tyr (NM_000267.4, NM_001128147.3); short protein forms D283Y.
Identifiers: ClinVar variation 41680 (VCV000041680.39), dbSNP rs200572531, ClinGen allele CA165606.

ClinVar aggregate classification (germline): Conflicting classifications of pathogenicity. Review status: criteria provided, conflicting classifications (1 of 4 stars). 9 submissions from 8 submitters: Uncertain significance (6); Likely benign (2). 1 of the submissions does not count toward it. Last evaluated 2026-02-03.

Conditions:
Hereditary cancer-predisposing syndrome. Also called: Tumor predisposition; Neoplastic Syndromes, Hereditary; Hereditary Cancer Syndrome; Hereditary neoplastic syndrome. Identifiers: Orphanet 140162, MedGen C0027672, MeSH D009386, MONDO:0015356.
Cardiovascular phenotype. Identifiers: MedGen CN230736.
Neurofibromatosis, familial spinal (FSNF). Identifiers: Orphanet 636, MedGen C1834235, MONDO:0008078, OMIM 162210. Disease mechanism: loss of function.
Neurofibromatosis-Noonan syndrome (NFNS). Also called: NEUROFIBROMATOSIS WITH NOONAN PHENOTYPE. Identifiers: Orphanet 638, MedGen C2931482, MONDO:0011035, OMIM 601321. Disease mechanism: loss of function.
Café-au-lait macules with pulmonary stenosis (WTSN). Also called: PULMONIC STENOSIS WITH CAFE-AU-LAIT SPOTS. Identifiers: MedGen C0553586, MONDO:0008672, OMIM 193520.
Neurofibromatosis, type 1 (NF1). Also called: NEUROFIBROMATOSIS, TYPE I, SOMATIC; VON RECKLINGHAUSEN DISEASE; Peripheral type neurofibromatosis; Neurofibromatosis, type I. Identifiers: Orphanet 636, MedGen C0027831, MONDO:0018975, OMIM 162200. Disease mechanism: loss of function.
Juvenile myelomonocytic leukemia (JMML). Also called: LEUKEMIA, JUVENILE MYELOMONOCYTIC, SOMATIC. Identifiers: Orphanet 86834, MedGen C0349639, MONDO:0011908, OMIM 607785, HP:0012209.

Allele frequency attached by ClinVar (database versions not stated): gnomAD exomes 0.00001 and 0.00002; ExAC 0.00003; TOPMed 0.00003.
gnomAD v4.1: 15 of 1,613,766 alleles (0.00093%); highest among the groups gnomAD compares: African/African-American, 0.0013%; no homozygotes.

Submissions (9):

Labcorp Genetics (formerly Invitae), Labcorp
Classification: Likely benign for Neurofibromatosis, type 1. Last evaluated: 2026-02-03. Review status: criteria provided, single submitter. Criteria: Invitae Variant Classification Sherloc (09022015). Collection method: clinical testing. Allele origin: germline.

CeGaT Center for Human Genetics Tuebingen
Classification: Uncertain significance. Last evaluated: 2024-05-01. Review status: criteria provided, single submitter. Criteria: CeGaT Center For Human Genetics Tuebingen Variant Classification Criteria Version 2. Collection method: clinical testing. Allele origin: germline. Affected: yes. Observed: 1 variant allele.
Comment: NF1: PM2

GeneDx
Classification: Uncertain significance. Last evaluated: 2022-09-29. Review status: criteria provided, single submitter. Criteria: GeneDx Variant Classification Process June 2021. Collection method: clinical testing. Allele origin: germline. Affected: yes.
Comment: In silico analysis supports that this missense variant has a deleterious effect on protein structure/function; Has not been previously published as pathogenic or benign to our knowledge; This variant is associated with the following publications: (PMID: 22703879)

Genome-Nilou Lab
Classification: Uncertain significance for Neurofibromatosis, type 1. Last evaluated: 2022-03-15. Review status: criteria provided, single submitter. Criteria: ACMG Guidelines, 2015. Collection method: clinical testing. Allele origin: germline. Affected: no.

Fulgent Genetics
Classification: Uncertain significance for Neurofibromatosis, type 1; Neurofibromatosis, familial spinal; Café-au-lait macules with pulmonary stenosis; Neurofibromatosis-Noonan syndrome; Juvenile myelomonocytic leukemia. Last evaluated: 2021-12-07. Review status: criteria provided, single submitter. Criteria: ACMG Guidelines, 2015. Collection method: clinical testing. Allele origin: unknown.

Ambry Genetics
Classification: Likely benign for Cardiovascular phenotype; Hereditary cancer-predisposing syndrome. Last evaluated: 2020-12-07. Review status: criteria provided, single submitter. Criteria: Ambry Variant Classification Scheme 2023. Collection method: clinical testing. Allele origin: germline.

Center for Genomics, Ann and Robert H. Lurie Children's Hospital of Chicago
Classification: Uncertain significance for Neurofibromatosis, familial spinal; Neurofibromatosis, type 1; Neurofibromatosis-Noonan syndrome; Café-au-lait macules with pulmonary stenosis. Last evaluated: 2019-07-15. Review status: criteria provided, single submitter. Criteria: ACMG Guidelines, 2015. Collection method: clinical testing. Allele origin: germline.
Comment: NF1 NM_000267.3 exon 8 p.Asp283Tyr (c.847G>T): This variant has not been reported in the literature and is present in 0.006% (1/16242) of African alleles in the Genome Aggregation Database. This variant is present in ClinVar (Variation ID:41680). Evolutionary conservation and computational predictive tools suggest that this variant may impact the protein. In summary, data on this variant is insufficient for disease classification. Therefore, the clinical significance of this variant is uncertain.

Center for Genomics, Ann and Robert H. Lurie Children's Hospital of Chicago
Classification: Uncertain significance for Café-au-lait macules with pulmonary stenosis; Juvenile myelomonocytic leukemia; Neurofibromatosis, familial spinal; Neurofibromatosis, type 1; Neurofibromatosis-Noonan syndrome. Review status: criteria provided, single submitter. Criteria: ACMG Guidelines, 2015. Collection method: clinical testing. Allele origin: germline.
Comment: the same text as in the submission from Center for Genomics, Ann and Robert H. Lurie Children's Hospital of Chicago above.

Biesecker Lab/Clinical Genomics Section, National Institutes of Health
Classification: Uncertain significance. Last evaluated: 2012-07-13. Review status: no assertion criteria provided. Collection method: research. Allele origin: germline. Affected: no. Observed: 1 variant allele. Study: ClinSeq. Not counted in ClinVar's aggregate classification.
ClinVar note: Converted during submission from variant of unknown significance to Uncertain significance.